The following is an entry in ClinVar:

NM_001009944.3(PKD1):c.12530_12531insGGG (p.Pro4177_Pro4178insGly)

Gene: PKD1 (polycystin 1, transient receptor potential channel interacting; minus strand). Cytogenetic location: 16p13.3.
Variant type: Insertion.
Coding change: c.12530_12531insGGG on transcript NM_001009944.3 (MANE Select); coding-DNA positions 12530 to 12531, GGG inserted.
Protein change: p.Pro4177_Pro4178insGly.
Genome position: GRCh38 VCF-style: chr16-2090108-T-TCCC. GRCh37 (hg19) VCF-style: chr16-2140109-T-TCCC.
Other names: c.12527_12528insGGG, p.Pro4176_Pro4177insGly (NM_000296.4).
Identifiers: ClinVar variation 3359323 (VCV003359323.1).
Genomic context (GRCh38, chr16:2,090,108, plus strand): 5'-CAGCCCATCCAGCTGGCTGGAGGAGGTGGAGGGGTGCGAGGCATCGGAGCCAGCGCTGGG[T>TCCC]GGGGGCACATCCGGGGATACCTTGGAGCCCCTGGAGGAGCGAGAGGGCAGCGGCTCCATC-3'

ClinVar aggregate classification (germline): Uncertain significance (1 of 4 stars; one submission).

Submission:

GeneDx
Classification: Uncertain significance. Last evaluated: 2023-06-02. Review status: criteria provided, single submitter. Criteria: GeneDx Variant Classification Process June 2021. Collection method: clinical testing. Allele origin: germline. Affected: yes.
Comment: In-frame insertion of 1 amino acid in a non-repeat region; Not observed at significant frequency in large population cohorts (gnomAD); Has not been previously published as pathogenic or benign to our knowledge